The following is an entry in ClinVar:

NM_004656.4(BAP1):c.801G>C (p.Gln267His)

Gene: BAP1 (BRCA1 associated deubiquitinase 1; minus strand). Cytogenetic location: 3p21.1.
Variant type: single nucleotide variant.
Coding change: c.801G>C on transcript NM_004656.4 (MANE Select); coding-DNA position 801, G replaced by C.
Protein change: p.Gln267His; replaces glutamine 267 with histidine.
Molecular consequence: missense variant.
Genome position (GRCh38, 1-based): chr3:52,405,895, C>G on the plus strand (G>C on the coding strand, the complement: BAP1 is on the minus strand). VCF-style: chr3-52405895-C-G. GRCh37 (hg19) VCF-style: chr3-52439911-C-G.
Other names: c.801G>C (LRG_529t1); short protein forms Q267H.
Identifiers: ClinVar variation 489645 (VCV000489645.15), dbSNP rs1553645511, ClinGen allele CA353106930.
Genomic context (GRCh38, chr3:52,405,895, plus strand): 5'-TGACTTGGACTCCTCAGGCAGCTGTGACTCTTGAGACTTGTGGGTCTGAATCAGCTCTGG[C>G]TGTGTTACTCTTATCAGCTAACAACAGAATCCAGGGCTCAGAGGAGAAAGGGTAGACCCG-3'
Protein context (NP_004647.1, residues 257-277): EALQQLIRVT[Gln267His]PELIQTHKSQ

ClinVar aggregate classification (germline): Uncertain significance. Review status: criteria provided, multiple submitters, no conflicts (2 of 4 stars). 4 submissions from 4 submitters: Uncertain significance (4). Last evaluated 2024-06-12.

Conditions:
BAP1-related tumor predisposition syndrome (TPDS1). Also called: Tumor susceptibility linked to germline BAP1 mutations; BAP1 tumor predisposition syndrome; COMMON Syndrome; TUMOR PREDISPOSITION SYNDROME 1. Identifiers: Orphanet 289539, MedGen C3280492, MONDO:0013692, OMIM 614327.
Hereditary cancer-predisposing syndrome. Also called: Hereditary Cancer Syndrome; Neoplastic Syndromes, Hereditary; Tumor predisposition; Hereditary neoplastic syndrome. Identifiers: Orphanet 140162, MedGen C0027672, MeSH D009386, MONDO:0015356.

Allele frequency attached by ClinVar (database versions not stated): gnomAD 0.00001.

Submissions (4):

Labcorp Genetics (formerly Invitae), Labcorp
Classification: Uncertain significance for BAP1-related tumor predisposition syndrome. Last evaluated: 2024-06-12. Review status: criteria provided, single submitter. Criteria: Invitae Variant Classification Sherloc (09022015). Collection method: clinical testing. Allele origin: germline.
Comment: This sequence change replaces glutamine, which is neutral and polar, with histidine, which is basic and polar, at codon 267 of the BAP1 protein (p.Gln267His). This variant is not present in population databases (gnomAD no frequency). This variant has not been reported in the literature in individuals affected with BAP1-related conditions. ClinVar contains an entry for this variant (Variation ID: 489645). Advanced modeling of protein sequence and biophysical properties (such as structural, functional, and spatial information, amino acid conservation, physicochemical variation, residue mobility, and thermodynamic stability) performed at Invitae indicates that this missense variant is not expected to disrupt BAP1 protein function with a negative predictive value of 80%. In summary, the available evidence is currently insufficient to determine the role of this variant in disease. Therefore, it has been classified as a Variant of Uncertain Significance.

Color Diagnostics, LLC DBA Color Health
Classification: Uncertain significance for Hereditary cancer-predisposing syndrome. Last evaluated: 2023-12-05. Review status: criteria provided, single submitter. Criteria: ACMG Guidelines, 2015. Collection method: clinical testing. Allele origin: germline.
Comment: This missense variant replaces glutamine with histidine at codon 267 of the BAP1 protein. Computational prediction suggests that this variant may not impact protein structure and function (internally defined REVEL score threshold <= 0.5, PMID: 27666373). To our knowledge, functional studies have not been reported for this variant. This variant has not been reported in individuals affected with BAP1-related disorders in the literature. This variant has not been identified in the general population by the Genome Aggregation Database (gnomAD). The available evidence is insufficient to determine the role of this variant in disease conclusively. Therefore, this variant is classified as a Variant of Uncertain Significance.

Ambry Genetics
Classification: Uncertain significance for Hereditary cancer-predisposing syndrome. Last evaluated: 2022-09-26. Review status: criteria provided, single submitter. Criteria: Ambry Variant Classification Scheme 2023. Collection method: clinical testing. Allele origin: germline.
Comment: The p.Q267H variant (also known as c.801G>C), located in coding exon 10 of the BAP1 gene, results from a G to C substitution at nucleotide position 801. The glutamine at codon 267 is replaced by histidine, an amino acid with highly similar properties. This amino acid position is highly conserved in available vertebrate species. In addition, this alteration is predicted to be tolerated by in silico analysis. Since supporting evidence is limited at this time, the clinical significance of this alteration remains unclear.

Sema4
Classification: Uncertain significance for Hereditary cancer-predisposing syndrome. Last evaluated: 2022-02-15. Review status: criteria provided, single submitter. Criteria: Sema4 Curation Guidelines. Collection method: curation. Allele origin: germline.
Comment: The BAP1 c.801G>C (p.Q267H) variant has not been reported in the literature to our knowledge. It was observed in 1/41428 chromosomes of the African/African American subpopulation, in the large and broad cohorts of the Genome Aggregation Database (PMID: 32461654). This variant has been reported in ClinVar (Variation ID 489645). Functional studies have not been performed, and in silico predictions of the variant's effect on protein function are inconclusive. The evidence is insufficient to meet ACMG/AMP criteria for classifying the variant as benign or pathogenic. Thus, the clinical significance of this variant is currently uncertain.